The following is an entry in ClinVar:

NM_016599.5(MYOZ2):c.17C>G (p.Thr6Ser)

Gene: MYOZ2 (myozenin 2; plus strand). Cytogenetic location: 4q26.
Variant type: single nucleotide variant.
Coding change: c.17C>G on transcript NM_016599.5 (MANE Select); coding-DNA position 17, C replaced by G.
Protein change: p.Thr6Ser; replaces threonine 6 with serine.
Molecular consequence: missense variant.
Genome position (GRCh38, 1-based): chr4:119,136,542, C>G. VCF-style: chr4-119136542-C-G. GRCh37 (hg19) VCF-style: chr4-120057697-C-G.
Other names: short protein forms T6S.
Identifiers: ClinVar variation 45779 (VCV000045779.15), dbSNP rs397517289, ClinGen allele CA137037.

ClinVar aggregate classification (germline): Conflicting classifications of pathogenicity. Review status: criteria provided, conflicting classifications (1 of 4 stars). 4 submissions from 4 submitters: Uncertain significance (2); Likely benign (2). Last evaluated 2023-10-13.

Conditions:
Cardiovascular phenotype. Identifiers: MedGen CN230736.
Cardiomyopathy (CMYO). Also called: Cardiomyopathies. Identifiers: Orphanet 167848, MedGen C0878544, MONDO:0004994, HP:0001638. Inheritance: Various modes of inheritance.
Hypertrophic cardiomyopathy. Also called: HYPERTROPHIC MYOCARDIOPATHY. Identifiers: Orphanet 217569, MedGen C0007194, MeSH D002312, MONDO:0005045, HP:0001639.

Allele frequency attached by ClinVar (database versions not stated): gnomAD 0.00001 and below 0.00001; ExAC 0.00002.
gnomAD v4.1: 34 of 1,613,392 alleles (0.0021%); highest among the groups gnomAD compares: South Asian, 0.034%; 1 homozygote.

Submissions (4):

Labcorp Genetics (formerly Invitae), Labcorp
Classification: Uncertain significance for Hypertrophic cardiomyopathy. Last evaluated: 2023-10-13. Review status: criteria provided, single submitter. Criteria: Invitae Variant Classification Sherloc (09022015). Collection method: clinical testing. Allele origin: germline.
Comment: This sequence change replaces threonine, which is neutral and polar, with serine, which is neutral and polar, at codon 6 of the MYOZ2 protein (p.Thr6Ser). This variant is present in population databases (rs397517289, gnomAD 0.03%). This variant has not been reported in the literature in individuals affected with MYOZ2-related conditions. ClinVar contains an entry for this variant (Variation ID: 45779). Algorithms developed to predict the effect of missense changes on protein structure and function output the following: SIFT: "Not Available"; PolyPhen-2: "Benign"; Align-GVGD: "Not Available". The serine amino acid residue is found in multiple mammalian species, which suggests that this missense change does not adversely affect protein function. In summary, the available evidence is currently insufficient to determine the role of this variant in disease. Therefore, it has been classified as a Variant of Uncertain Significance.

Ambry Genetics
Classification: Uncertain significance for Cardiovascular phenotype. Last evaluated: 2021-03-15. Review status: criteria provided, single submitter. Criteria: Ambry Variant Classification Scheme 2023. Collection method: clinical testing. Allele origin: germline.
Comment: The p.T6S variant (also known as c.17C>G), located in coding exon 1 of the MYOZ2 gene, results from a C to G substitution at nucleotide position 17. The threonine at codon 6 is replaced by serine, an amino acid with similar properties. This amino acid position is poorly conserved in available vertebrate species, and serine is the reference amino acid in other vertebrate species. In addition, this alteration is predicted to be tolerated by in silico analysis. Since supporting evidence is limited at this time, the clinical significance of this alteration remains unclear.

CHEO Genetics Diagnostic Laboratory, Children's Hospital of Eastern Ontario
Classification: Likely benign for Cardiomyopathy. Last evaluated: 2018-03-23. Review status: criteria provided, single submitter. Criteria: ACMG Guidelines, 2015. Collection method: clinical testing. Allele origin: germline.

Laboratory for Molecular Medicine, Mass General Brigham Personalized Medicine
Classification: Likely benign. Last evaluated: 2013-01-23. Review status: criteria provided, single submitter. Criteria: LMM Criteria. Collection method: clinical testing. Allele origin: germline. Observed: 1 variant allele.
Comment: Thr6Ser in exon 2 of MYOZ2: This variant is not expected to have clinical signif icance due to a lack of conservation across species, including mammals. Of note, microbat and shrew have a serine (Ser; this vairant) at this position despite h igh nearby amino acid conservation, supporting that this change is likely tolera ted. In addition, computational analyses (biochemical amino acid properties, Ali gnGVGD, PolyPhen2, SIFT) do not suggest a high likelihood of impact to the prote in.